The following is an entry in ClinVar:

NM_000814.6(GABRB3):c.240+5G>C

Gene: GABRB3 (gamma-aminobutyric acid type A receptor subunit beta3; minus strand). Cytogenetic location: 15q12.
Variant type: single nucleotide variant.
Coding change: c.240+5G>C on transcript NM_000814.6 (MANE Select); 5 bases into the intron after coding-DNA position 240, G replaced by C.
Molecular consequence: intron variant.
Genome position (GRCh38, 1-based): chr15:26,772,397, C>G on the plus strand (G>C on the coding strand, the complement: GABRB3 is on the minus strand). VCF-style: chr15-26772397-C-G. GRCh37 (hg19) VCF-style: chr15-27017544-C-G.
Other names: c.240+5G>C (NM_021912.5); c.-112+5G>C (NM_001278631.2).
Identifiers: ClinVar variation 2090656 (VCV002090656.4), dbSNP rs747510658, ClinGen allele CA7437510.

ClinVar aggregate classification (germline): Uncertain significance (1 of 4 stars; one submission).

Conditions:
Epilepsy, childhood absence, susceptibility to, 1. Also called: Epilepsy, childhood absence 1. Identifiers: Orphanet 64280, MedGen C1838604, MONDO:0020759, OMIM 600131.
Epilepsy, childhood absence, susceptibility to, 5. Identifiers: Orphanet 64280, MedGen C2677087, MONDO:0012843, OMIM 612269.

Allele frequency attached by ClinVar (database versions not stated): gnomAD exomes below 0.00001; ExAC 0.00001.
gnomAD v4.1: 1 of 1,607,690 alleles (0.000062%); highest among the groups gnomAD compares: African/African-American, 0.0013%; no homozygotes.

Submission:

Labcorp Genetics (formerly Invitae), Labcorp
Classification: Uncertain significance for Epilepsy, childhood absence, susceptibility to, 5; Epilepsy, childhood absence, susceptibility to, 1. Last evaluated: 2024-05-15. Review status: criteria provided, single submitter. Criteria: Invitae Variant Classification Sherloc (09022015). Collection method: clinical testing. Allele origin: germline.
Comment: This sequence change falls in intron 3 of the GABRB3 gene. It does not directly change the encoded amino acid sequence of the GABRB3 protein. It affects a nucleotide within the consensus splice site. This variant is present in population databases (rs747510658, gnomAD 0.007%). This variant has not been reported in the literature in individuals affected with GABRB3-related conditions. ClinVar contains an entry for this variant (Variation ID: 2090656). Variants that disrupt the consensus splice site are a relatively common cause of aberrant splicing (PMID: 17576681, 9536098). Algorithms developed to predict the effect of sequence changes on RNA splicing suggest that this variant may disrupt the consensus splice site. In summary, the available evidence is currently insufficient to determine the role of this variant in disease. Therefore, it has been classified as a Variant of Uncertain Significance.

Literature cited by the submitters: PubMed 17576681; PubMed 9536098.